The following is an entry in ClinVar:

NM_004329.3(BMPR1A):c.1271C>T (p.Pro424Leu)

Gene: BMPR1A (bone morphogenetic protein receptor type 1A; plus strand). Cytogenetic location: 10q23.2.
Variant type: single nucleotide variant.
Coding change: c.1271C>T on transcript NM_004329.3 (MANE Select); coding-DNA position 1271, C replaced by T.
Protein change: p.Pro424Leu; replaces proline 424 with leucine.
Molecular consequence: missense variant. On other transcripts: non-coding transcript variant (3).
Genome position (GRCh38, 1-based): chr10:86,921,624, C>T. VCF-style: chr10-86921624-C-T. GRCh37 (hg19) VCF-style: chr10-88681381-C-T.
Other names: c.1346C>T, p.Pro449Leu (NM_001406559.1); c.1319C>T, p.Pro440Leu (NM_001406560.1); c.1271C>T, p.Pro424Leu (NM_001406561.1, NM_001406562.1, NM_001406563.1 and 19 more transcripts); c.1265C>T, p.Pro422Leu (NM_001406583.1); c.1187C>T, p.Pro396Leu (NM_001406584.1, NM_001406585.1, NM_001406586.1 and 2 more transcripts); c.929C>T, p.Pro310Leu (NM_001406589.1); short protein forms P396L, P422L, P440L, P449L, P310L, P424L.
Identifiers: ClinVar variation 3664752 (VCV003664752.2).

ClinVar aggregate classification (germline): Uncertain significance (1 of 4 stars; one submission).

Conditions:
Juvenile polyposis syndrome (JPS). Identifiers: Orphanet 2929, MedGen C0345893, MONDO:0017380, OMIM 174900.

Submission:

Labcorp Genetics (formerly Invitae), Labcorp
Classification: Uncertain significance for Juvenile polyposis syndrome. Last evaluated: 2024-12-26. Review status: criteria provided, single submitter. Criteria: Invitae Variant Classification Sherloc (09022015). Collection method: clinical testing. Allele origin: germline.
Comment: This sequence change replaces proline, which is neutral and non-polar, with leucine, which is neutral and non-polar, at codon 424 of the BMPR1A protein (p.Pro424Leu). This variant is not present in population databases (gnomAD no frequency). This variant has not been reported in the literature in individuals affected with BMPR1A-related conditions. Invitae Evidence Modeling of protein sequence and biophysical properties (such as structural, functional, and spatial information, amino acid conservation, physicochemical variation, residue mobility, and thermodynamic stability) has been performed for this missense variant. However, the output from this modeling did not meet the statistical confidence thresholds required to predict the impact of this variant on BMPR1A protein function. In summary, the available evidence is currently insufficient to determine the role of this variant in disease. Therefore, it has been classified as a Variant of Uncertain Significance.